The following is an entry in ClinVar:

ClinVar aggregate classification (germline): Uncertain significance. Review status: criteria provided, multiple submitters, no conflicts (2 of 4 stars). 2 submissions from 2 submitters: Uncertain significance (2). Last evaluated 2025-11-12.

Allele frequency attached by ClinVar (database versions not stated): gnomAD exomes 0.00004 and 0.00006; gnomAD 0.00005 and 0.00006; TOPMed 0.00005; ExAC 0.00007.

Submissions (2):

Labcorp Genetics (formerly Invitae), Labcorp
Classification: Uncertain significance. Last evaluated: 2025-11-12. Review status: criteria provided, single submitter. Criteria: Invitae Variant Classification Sherloc (09022015). Collection method: clinical testing. Allele origin: germline.
Comment: This sequence change replaces proline, which is neutral and non-polar, with serine, which is neutral and polar, at codon 16 of the PSMB4 protein (p.Pro16Ser). This variant is present in population databases (rs771817722, gnomAD 0.008%). This variant has not been reported in the literature in individuals affected with PSMB4-related conditions. ClinVar contains an entry for this variant (Variation ID: 1442380). An algorithm developed to predict the effect of missense changes on protein structure and function (PolyPhen-2) suggests that this variant is likely to be disruptive. In summary, the available evidence is currently insufficient to determine the role of this variant in disease. Therefore, it has been classified as a Variant of Uncertain Significance.

Blueprint Genetics
Classification: Uncertain significance. Last evaluated: 2024-05-29. Review status: criteria provided, single submitter. Criteria: ACMG Guidelines, 2015. Collection method: clinical testing. Allele origin: germline.

NM_002796.3(PSMB4):c.46C>T (p.Pro16Ser)

Gene: PSMB4 (proteasome 20S subunit beta 4; plus strand). Cytogenetic location: 1q21.3.
Variant type: single nucleotide variant.
Coding change: c.46C>T on transcript NM_002796.3 (MANE Select); coding-DNA position 46, C replaced by T.
Protein change: p.Pro16Ser; replaces proline 16 with serine.
Molecular consequence: missense variant.
Genome position (GRCh38, 1-based): chr1:151,399,633, C>T. VCF-style: chr1-151399633-C-T. GRCh37 (hg19) VCF-style: chr1-151372109-C-T.
Other names: short protein forms P16S.
Identifiers: ClinVar variation 1442380 (VCV001442380.7), dbSNP rs771817722, ClinGen allele CA1090559.